The following is an entry in ClinVar:

ClinVar aggregate classification (germline): Uncertain significance (1 of 4 stars; one submission).

Conditions:
Majeed syndrome (MJDS). Also called: CHRONIC RECURRENT MULTIFOCAL OSTEOMYELITIS 1, WITH CONGENITAL DYSERYTHROPOIETIC ANEMIA, WITH OR WITHOUT NEUTROPHILIC DERMATOSIS; LPIN2-Related Majeed Syndrome. Identifiers: Orphanet 77297, MedGen C1864997, MONDO:0012316, OMIM 609628.

Submission:

Labcorp Genetics (formerly Invitae), Labcorp
Classification: Uncertain significance for Majeed syndrome. Last evaluated: 2023-10-02. Review status: criteria provided, single submitter. Criteria: Invitae Variant Classification Sherloc (09022015). Collection method: clinical testing. Allele origin: germline.
Comment: This sequence change replaces alanine, which is neutral and non-polar, with serine, which is neutral and polar, at codon 595 of the LPIN2 protein (p.Ala595Ser). This variant is not present in population databases (gnomAD no frequency). This variant has not been reported in the literature in individuals affected with LPIN2-related conditions. Advanced modeling of protein sequence and biophysical properties (such as structural, functional, and spatial information, amino acid conservation, physicochemical variation, residue mobility, and thermodynamic stability) performed at Invitae indicates that this missense variant is not expected to disrupt LPIN2 protein function. In summary, the available evidence is currently insufficient to determine the role of this variant in disease. Therefore, it has been classified as a Variant of Uncertain Significance.

NM_001375808.2(LPIN2):c.1783G>T (p.Ala595Ser)

Gene: LPIN2 (lipin 2; minus strand). Cytogenetic location: 18p11.31.
Variant type: single nucleotide variant.
Coding change: c.1783G>T on transcript NM_001375808.2 (MANE Select); coding-DNA position 1783, G replaced by T.
Protein change: p.Ala595Ser; replaces alanine 595 with serine.
Molecular consequence: missense variant.
Genome position (GRCh38, 1-based): chr18:2,926,733, C>A on the plus strand (G>T on the coding strand, the complement: LPIN2 is on the minus strand). VCF-style: chr18-2926733-C-A. GRCh37 (hg19) VCF-style: chr18-2926731-C-A.
Other names: c.1783G>T, p.Ala595Ser (NM_001375809.1, NM_014646.2); short protein forms A595S.
Identifiers: ClinVar variation 2759424 (VCV002759424.3), dbSNP rs373929015, ClinGen allele CA401702991.